The following is an entry in ClinVar:

ClinVar aggregate classification (germline): Pathogenic; other. Review status: no assertion criteria provided (0 of 4 stars). 2 submissions from 2 submitters: Pathogenic (1). Last evaluated 2024-05-27.

Conditions:
HBB-related disorder. Also called: HBB-related disorders; HBB-related condition. Identifiers: MedGen CN239378.
HEMOGLOBIN BORAS.

Submissions (2):

PreventionGenetics, part of Exact Sciences
Classification: Pathogenic for HBB-related condition. Last evaluated: 2024-05-27. Review status: no assertion criteria provided. Collection method: clinical testing. Allele origin: germline.
Comment: The HBB c.266T>G variant is predicted to result in the amino acid substitution p.Leu89Arg. This variant, also referred to as Hb Borås and p.Leu88Arg using legacy nomenclature, has been reported in individuals with anemia (Hollender et al. 1969. PubMed ID: 5789325; Bird et al. 1987. PubMed ID: 3623976; Bae et al. 2023. PubMed ID: 37665291) and has been demonstrated to result in tetramer instability (Hollender et al. 1969. PubMed ID: 5789325). This variant has not been reported in a large population database, indicating this variant is rare. A different missense change impacting the same amino acid (p.Leu89Pro, also referred as Hb Santa Ana) has been reported to be causative for anemia (Goncalves et al. 1994. PubMed ID: 7928381). This variant is interpreted as pathogenic.

OMIM
Classification: other for HEMOGLOBIN BORAS. Last evaluated: 2017-12-12. Review status: no assertion criteria provided. Collection method: literature only. Allele origin: germline.

Literature cited by the submitters: PubMed 5789325 (cited by OMIM); PubMed 3623976 (cited by OMIM).

NM_000518.4(HBB):c.266T>G (p.Leu89Arg)

Genes: HBB (hemoglobin subunit beta; minus strand), LOC106099062 (HBB recombination region; plus strand), LOC107133510 (origin of replication at HBB; plus strand). Cytogenetic location: 11p15.4.
Variant type: single nucleotide variant.
Coding change: c.266T>G on transcript NM_000518.4; coding-DNA position 266, T replaced by G.
Protein change: p.Leu89Arg; replaces leucine 89 with arginine.
Molecular consequence: missense variant (on NM_000518.5).
Genome position (GRCh38, 1-based): chr11:5,226,626, A>C on the plus strand (T>G on the coding strand, the complement: HBB is on the minus strand). VCF-style: chr11-5226626-A-C. GRCh37 (hg19) VCF-style: chr11-5247856-A-C.
Other names: L88R; c.266T>G, p.Leu89Arg (NM_000518.5); short protein forms L89R.
Identifiers: ClinVar variation 15108 (VCV000015108.3), dbSNP rs33940204, ClinGen allele CA124744.